The following is an entry in ClinVar:

NM_000302.4(PLOD1):c.644-11C>T

Gene: PLOD1 (procollagen-lysine,2-oxoglutarate 5-dioxygenase 1; plus strand). Cytogenetic location: 1p36.22.
Variant type: single nucleotide variant.
Coding change: c.644-11C>T on transcript NM_000302.4 (MANE Select); 11 bases into the intron before coding-DNA position 644, C replaced by T.
Molecular consequence: intron variant.
Genome position (GRCh38, 1-based): chr1:11,956,906, C>T. VCF-style: chr1-11956906-C-T. GRCh37 (hg19) VCF-style: chr1-12016963-C-T.
Other names: c.785-11C>T (NM_001316320.2).
Identifiers: ClinVar variation 681483 (VCV000681483.11), dbSNP rs375303994, ClinGen allele CA598038.

ClinVar aggregate classification (germline): Likely benign. Review status: criteria provided, multiple submitters, no conflicts (2 of 4 stars). 4 submissions from 4 submitters: Likely benign (4). Last evaluated 2026-02-01.

Conditions:
Ehlers-Danlos syndrome, kyphoscoliotic type 1 (EDSKSCL1). Also called: EHLERS-DANLOS SYNDROME, TYPE VIA; Ehlers-Danlos syndrome, hydroxylysine-deficient; PLOD1-Related Kyphoscoliotic Ehlers-Danlos Syndrome; EHLERS-DANLOS SYNDROME, OCULAR-SCOLIOTIC TYPE. Identifiers: Orphanet 1900, MedGen C0268342, MONDO:0016002, OMIM 225400. Disease mechanism: loss of function.

Allele frequency attached by ClinVar (database versions not stated): TOPMed 0.00007; ESP Exome Variant Server 0.00008; ExAC 0.00012; gnomAD exomes 0.00013.
gnomAD v4.1: 204 of 1,599,600 alleles (0.013%); highest among the groups gnomAD compares: South Asian, 0.076%; 2 homozygotes.

Submissions (4):

Labcorp Genetics (formerly Invitae), Labcorp
Classification: Likely benign for Ehlers-Danlos syndrome, kyphoscoliotic type 1. Last evaluated: 2026-02-01. Review status: criteria provided, single submitter. Criteria: Invitae Variant Classification Sherloc (09022015). Collection method: clinical testing. Allele origin: germline.

ARUP Laboratories, Molecular Genetics and Genomics, ARUP Laboratories
Classification: Likely benign for Ehlers-Danlos syndrome, kyphoscoliotic type 1. Last evaluated: 2025-03-05. Review status: criteria provided, single submitter. Criteria: ARUP Molecular Germline Variant Investigation Process 2024. Collection method: clinical testing. Allele origin: germline.

Blueprint Genetics
Classification: Likely benign. Last evaluated: 2024-10-01. Review status: criteria provided, single submitter. Criteria: ACMG Guidelines, 2015. Collection method: clinical testing. Allele origin: germline.

GeneDx
Classification: Likely benign. Last evaluated: 2018-04-11. Review status: criteria provided, single submitter. Criteria: GeneDx Variant Classification (06012015). Collection method: clinical testing. Allele origin: germline. Affected: yes.
Comment: This variant is considered likely benign or benign based on one or more of the following criteria: it is a conservative change, it occurs at a poorly conserved position in the protein, it is predicted to be benign by multiple in silico algorithms, and/or has population frequency not consistent with disease.